The following is an entry in ClinVar:

ClinVar aggregate classification (germline): Uncertain significance (1 of 4 stars; one submission).

Allele frequency attached by ClinVar (database versions not stated): gnomAD exomes below 0.00001.
gnomAD v4.1: 1 of 1,613,968 alleles (0.000062%); highest among the groups gnomAD compares: Non-Finnish European, 0.000085%; no homozygotes.

Submission:

Labcorp Genetics (formerly Invitae), Labcorp
Classification: Uncertain significance. Last evaluated: 2023-08-10. Review status: criteria provided, single submitter. Criteria: Invitae Variant Classification Sherloc (09022015). Collection method: clinical testing. Allele origin: germline.
Comment: In summary, the available evidence is currently insufficient to determine the role of this variant in disease. Therefore, it has been classified as a Variant of Uncertain Significance. This sequence change replaces aspartic acid, which is acidic and polar, with glutamic acid, which is acidic and polar, at codon 2242 of the FLNB protein (p.Asp2242Glu). This variant is not present in population databases (gnomAD no frequency). This variant has not been reported in the literature in individuals affected with FLNB-related conditions. Advanced modeling of protein sequence and biophysical properties (such as structural, functional, and spatial information, amino acid conservation, physicochemical variation, residue mobility, and thermodynamic stability) performed at Invitae indicates that this missense variant is not expected to disrupt FLNB protein function.

NM_001457.4(FLNB):c.6726C>G (p.Asp2242Glu)

Gene: FLNB (filamin B; plus strand). Cytogenetic location: 3p14.3.
Variant type: single nucleotide variant.
Coding change: c.6726C>G on transcript NM_001457.4 (MANE Select); coding-DNA position 6726, C replaced by G.
Protein change: p.Asp2242Glu; replaces aspartic acid 2242 with glutamic acid.
Molecular consequence: missense variant.
Genome position (GRCh38, 1-based): chr3:58,154,882, C>G. VCF-style: chr3-58154882-C-G. GRCh37 (hg19) VCF-style: chr3-58140609-C-G.
Other names: c.6819C>G, p.Asp2273Glu (NM_001164317.2); c.6693C>G, p.Asp2231Glu (NM_001164318.2); c.6654C>G, p.Asp2218Glu (NM_001164319.2); short protein forms D2218E, D2242E, D2273E, D2231E.
Identifiers: ClinVar variation 2871502 (VCV002871502.3), dbSNP rs2471228069, ClinGen allele CA353360613.